The following is an entry in ClinVar:

NM_001199107.2(TBC1D24):c.58C>T (p.Gln20Ter)

Gene: TBC1D24 (TBC1 domain family member 24; plus strand). Cytogenetic location: 16p13.3.
Variant type: single nucleotide variant.
Coding change: c.58C>T on transcript NM_001199107.2 (MANE Select); coding-DNA position 58, C replaced by T.
Protein change: p.Gln20Ter; replaces glutamine 20 with a stop codon.
Molecular consequence: nonsense.
Genome position (GRCh38, 1-based): chr16:2,496,206, C>T. VCF-style: chr16-2496206-C-T. GRCh37 (hg19) VCF-style: chr16-2546207-C-T.
Other names: c.58C>T, p.Gln20Ter (NM_020705.3); short protein forms Q20*.
Identifiers: ClinVar variation 419782 (VCV000419782.12), dbSNP rs201257588, ClinGen allele CA7843914.

ClinVar aggregate classification (germline): Pathogenic. Review status: criteria provided, multiple submitters, no conflicts (2 of 4 stars). 4 submissions from 4 submitters: Pathogenic (4). Last evaluated 2026-03-11.

Conditions:
TBC1D24-related disorder. Also called: TBC1D24-related condition; TBC1D24-related disorders. Identifiers: MedGen CN381194.
Developmental and epileptic encephalopathy, 1 (DEE1). Also called: X-linked infantile spasms; West's syndrome; Tonic spasms with clustering, arrest of psychomotor development and hypsarrhythmia on EEG; X-Linked Infantile Spasm Syndrome; OHTAHARA SYNDROME, X-LINKED; INFANTILE SPASM SYNDROME, X-LINKED 1. Identifiers: MedGen C3463992, MONDO:0010632, OMIM 308350. Disease mechanism: loss of function.
Autosomal dominant nonsyndromic hearing loss 65. Also called: TBC1D24-Related Autosomal Dominant Nonsyndromic Hearing Loss (DFNA); Deafness, autosomal dominant 65. Identifiers: Orphanet 90635, MedGen C3892048, MONDO:0014470, OMIM 616044.

Allele frequency attached by ClinVar (database versions not stated): TOPMed 0.00001; gnomAD exomes 0.00002 and 0.00006; gnomAD 0.00005; ExAC 0.00008.
gnomAD v4.1: 36 of 1,613,834 alleles (0.0022%); highest among the groups gnomAD compares: Non-Finnish European, 0.0012%; no homozygotes.

Submissions (4):

Women's Health and Genetics/Laboratory Corporation of America, LabCorp
Classification: Pathogenic for TBC1D24-Related Disorders. Last evaluated: 2026-03-11. Review status: criteria provided, single submitter. Criteria: LabCorp Variant Classification Summary - May 2015. Collection method: clinical testing. Allele origin: germline.
Comment: Variant summary: TBC1D24 c.58C>T (p.Gln20X) results in a premature termination codon, predicted to cause a truncation of the encoded protein or absence of the protein due to nonsense mediated decay, which are commonly known mechanisms for disease. The variant allele was found at a frequency of 6e-05 in 249420 control chromosomes. This frequency is not significantly higher than estimated for disease-causing variants in TBC1D24, allowing no conclusion about variant significance. c.58C>T has been observed in individual(s) affected with TBC1D24-Related Disorders (Balestrini_2016). To our knowledge, no experimental evidence demonstrating an impact on protein function has been reported. The following publication have been ascertained in the context of this evaluation (PMID: 27281533). ClinVar contains an entry for this variant (Variation ID: 419782). Based on the evidence outlined above, the variant was classified as pathogenic.

Labcorp Genetics (formerly Invitae), Labcorp
Classification: Pathogenic for Developmental and epileptic encephalopathy, 1; Autosomal dominant nonsyndromic hearing loss 65. Last evaluated: 2023-07-13. Review status: criteria provided, single submitter. Criteria: Invitae Variant Classification Sherloc (09022015). Collection method: clinical testing. Allele origin: germline.
Comment: This premature translational stop signal has been observed in individual(s) with clinical features of TBC1D24-related conditions (PMID: 27281533). This variant is present in population databases (rs201257588, gnomAD 0.03%). This sequence change creates a premature translational stop signal (p.Gln20*) in the TBC1D24 gene. It is expected to result in an absent or disrupted protein product. Loss-of-function variants in TBC1D24 are known to be pathogenic (PMID: 23526554, 24291220). For these reasons, this variant has been classified as Pathogenic. ClinVar contains an entry for this variant (Variation ID: 419782).

Blueprint Genetics
Classification: Pathogenic for TBC1D24-related disorders. Last evaluated: 2022-03-08. Review status: criteria provided, single submitter. Criteria: ACMG Guidelines, 2015. Collection method: clinical testing. Allele origin: germline. Affected: yes. Observed: 3 variant alleles.

GeneDx
Classification: Pathogenic. Last evaluated: 2017-01-30. Review status: criteria provided, single submitter. Criteria: GeneDx Variant Classification (06012015). Collection method: clinical testing. Allele origin: germline. Affected: yes.
Comment: The Q20X pathogenic variant in the TBC1D24 gene has been reported previously (also reported incorrectly as Q20E), in the compound heterozygous state along with a missense variant, in two brothers with DOORS syndrome. Clinical features included developmental delay/intellectual disability, abnormal nails, abnormal fingers and toes, deafness, and seizures (Campeau et al., 2014; Balestrini et al., 2016). This variant is predicted to cause loss of normal protein function either through protein truncation or nonsense-mediated mRNA decay. The Q20X variant was not observed in approximately 6400 individuals of European and African American ancestry in the NHLBI Exome Sequencing Project, indicating it is not a common benign variant in these populations. We interpret Q20X as a pathogenic variant.

Literature cited by the submitters: PubMed 27281533 (cited by Women's Health and Genetics/Laboratory Corporation of America, LabCorp and Labcorp Genetics (formerly Invitae), Labcorp); PubMed 23526554 (cited by Labcorp Genetics (formerly Invitae), Labcorp); PubMed 24291220 (cited by Labcorp Genetics (formerly Invitae), Labcorp).